The following is an entry in ClinVar:

ClinVar aggregate classification (germline): Uncertain significance (1 of 4 stars; one submission).

Conditions:
Mowat-Wilson syndrome (MOWS). Also called: Classic Mowat-Wilson Syndrome. Identifiers: Orphanet 2152, MedGen C1856113, MONDO:0009341, OMIM 235730.

Allele frequency attached by ClinVar (database versions not stated): gnomAD exomes 0.00001 and 0.00002; ExAC 0.00003.
gnomAD v4.1: 4 of 1,613,916 alleles (0.00025%); highest among the groups gnomAD compares: Admixed American, 0.0067%; no homozygotes.

Submission:

Labcorp Genetics (formerly Invitae), Labcorp
Classification: Uncertain significance for Mowat-Wilson syndrome. Last evaluated: 2023-02-01. Review status: criteria provided, single submitter. Criteria: Invitae Variant Classification Sherloc (09022015). Collection method: clinical testing. Allele origin: germline.
Comment: This sequence change replaces lysine, which is basic and polar, with arginine, which is basic and polar, at codon 43 of the ZEB2 protein (p.Lys43Arg). This variant is present in population databases (rs771719994, gnomAD 0.009%). This missense change has been observed in individual(s) with left sided cardiac lesion (PMID: 29089047). ClinVar contains an entry for this variant (Variation ID: 934845). Advanced modeling of protein sequence and biophysical properties (such as structural, functional, and spatial information, amino acid conservation, physicochemical variation, residue mobility, and thermodynamic stability) performed at Invitae indicates that this missense variant is not expected to disrupt ZEB2 protein function. In summary, the available evidence is currently insufficient to determine the role of this variant in disease. Therefore, it has been classified as a Variant of Uncertain Significance.

Literature cited by the submitters: PubMed 29089047.

NM_014795.4(ZEB2):c.128A>G (p.Lys43Arg)

Gene: ZEB2 (zinc finger E-box binding homeobox 2; minus strand). Cytogenetic location: 2q22.3.
Variant type: single nucleotide variant.
Coding change: c.128A>G on transcript NM_014795.4 (MANE Select); coding-DNA position 128, A replaced by G.
Protein change: p.Lys43Arg; replaces lysine 43 with arginine.
Molecular consequence: missense variant.
Genome position (GRCh38, 1-based): chr2:144,429,972, T>C on the plus strand (A>G on the coding strand, the complement: ZEB2 is on the minus strand). VCF-style: chr2-144429972-T-C. GRCh37 (hg19) VCF-style: chr2-145187539-T-C.
Other names: c.128A>G, p.Lys43Arg (NM_001171653.2); short protein forms K43R.
Identifiers: ClinVar variation 934845 (VCV000934845.9), dbSNP rs771719994, ClinGen allele CA1898597.